The following is an entry in ClinVar:

NM_002691.4(POLD1):c.3067+3G>A

Gene: POLD1 (DNA polymerase delta 1, catalytic subunit; plus strand). Cytogenetic location: 19q13.33.
Variant type: single nucleotide variant.
Coding change: c.3067+3G>A on transcript NM_002691.4 (MANE Select); 3 bases into the intron after coding-DNA position 3067, G replaced by A.
Molecular consequence: intron variant.
Genome position (GRCh38, 1-based): chr19:50,416,726, G>A. VCF-style: chr19-50416726-G-A. GRCh37 (hg19) VCF-style: chr19-50919983-G-A.
Other names: c.3067+3G>A (NM_001256849.1); c.3145+3G>A (NM_001308632.1).
Identifiers: ClinVar variation 1799435 (VCV001799435.8), dbSNP rs1334587587, ClinGen allele CA883198261.

ClinVar aggregate classification (germline): Uncertain significance. Review status: criteria provided, multiple submitters, no conflicts (2 of 4 stars). 2 submissions from 2 submitters: Uncertain significance (2). Last evaluated 2025-11-24.

Conditions:
POLD1-related polyposis and colorectal cancer syndrome (CRCS10). Also called: Colorectal cancer 10; COLORECTAL CANCER, SUSCEPTIBILITY TO, ON CHROMOSOME 19q; Colorectal cancer, susceptibility to, 10. Identifiers: Orphanet 220460, MedGen C2675481, MONDO:0012953, OMIM 612591.
Hereditary cancer-predisposing syndrome. Also called: Tumor predisposition; Hereditary Cancer Syndrome; Hereditary neoplastic syndrome; Neoplastic Syndromes, Hereditary. Identifiers: Orphanet 140162, MedGen C0027672, MeSH D009386, MONDO:0015356.

Allele frequency attached by ClinVar (database versions not stated): gnomAD exomes below 0.00001; TOPMed below 0.00001; gnomAD 0.00001.
gnomAD v4.1: 2 of 1,529,594 alleles (0.00013%); highest among the groups gnomAD compares: African/African-American, 0.0014%; no homozygotes.

Submissions (2):

Ambry Genetics
Classification: Uncertain significance for Hereditary cancer-predisposing syndrome. Last evaluated: 2025-11-24. Review status: criteria provided, single submitter. Criteria: Ambry Variant Classification Scheme 2023. Collection method: clinical testing. Allele origin: germline.
Comment: The c.3067+3G>A intronic variant results from a G to A substitution 3 nucleotides after coding exon 23 in the POLD1 gene. This nucleotide position is well conserved in available vertebrate species. In silico splice site analysis predicts that this alteration will not have any significant effect on splicing. Based on the available evidence, the clinical significance of this variant remains unclear.

Labcorp Genetics (formerly Invitae), Labcorp
Classification: Uncertain significance for POLD1-related polyposis and colorectal cancer syndrome. Last evaluated: 2025-09-15. Review status: criteria provided, single submitter. Criteria: Invitae Variant Classification Sherloc (09022015). Collection method: clinical testing. Allele origin: germline.
Comment: This sequence change falls in intron 24 of the POLD1 gene. It does not directly change the encoded amino acid sequence of the POLD1 protein. It affects a nucleotide within the consensus splice site. This variant is not present in population databases (gnomAD no frequency). This variant has not been reported in the literature in individuals affected with POLD1-related conditions. ClinVar contains an entry for this variant (Variation ID: 1799435). Variants that disrupt the consensus splice site are a relatively common cause of aberrant splicing (PMID: 17576681, 9536098). Algorithms developed to predict the effect of sequence changes on RNA splicing suggest that this variant is not likely to affect RNA splicing. In summary, the available evidence is currently insufficient to determine the role of this variant in disease. Therefore, it has been classified as a Variant of Uncertain Significance.

Literature cited by the submitters: PubMed 17576681 (cited by Labcorp Genetics (formerly Invitae), Labcorp); PubMed 9536098 (cited by Labcorp Genetics (formerly Invitae), Labcorp).